The following is an entry in ClinVar:

NM_001267550.2(TTN):c.19403G>A (p.Cys6468Tyr)

Gene: TTN (titin; minus strand). Cytogenetic location: 2q31.2.
Variant type: single nucleotide variant.
Coding change: c.19403G>A on transcript NM_001267550.2 (MANE Select); coding-DNA position 19403, G replaced by A.
Protein change: p.Cys6468Tyr; replaces cysteine 6468 with tyrosine.
Molecular consequence: missense variant. On other transcripts: intron variant (3).
Genome position (GRCh38, 1-based): chr2:178,728,523, C>T on the plus strand (G>A on the coding strand, the complement: TTN is on the minus strand). VCF-style: chr2-178728523-C-T. GRCh37 (hg19) VCF-style: chr2-179593250-C-T.
Other names: c.18452G>A, p.Cys6151Tyr (NM_001256850.1); c.15671G>A, p.Cys5224Tyr (NM_133378.4); c.13282+9559G>A (NM_003319.4); c.13858+9559G>A (NM_133437.4); c.13657+9559G>A (NM_133432.3); short protein forms C5224Y, C6151Y, C6468Y.
Identifiers: ClinVar variation 2684087 (VCV002684087.1), dbSNP rs776818687, ClinGen allele CA349555948.

ClinVar aggregate classification (germline): Uncertain significance (1 of 4 stars; one submission).

Submission:

Athena Diagnostics
Classification: Uncertain significance. Last evaluated: 2022-12-02. Review status: criteria provided, single submitter. Criteria: Athena Diagnostics Criteria. Collection method: clinical testing. Allele origin: unknown.
Comment: Available data are insufficient to determine the clinical significance of the variant at this time. This variant has not been reported in large, multi-ethnic general populations. Computational tools disagree on the variant's effect on normal protein function.